The following is an entry in ClinVar:

NM_006767.4(LZTR1):c.809C>T (p.Thr270Ile)

Gene: LZTR1 (leucine zipper like post translational regulator 1; plus strand). Cytogenetic location: 22q11.21.
Variant type: single nucleotide variant.
Coding change: c.809C>T on transcript NM_006767.4 (MANE Select); coding-DNA position 809, C replaced by T.
Protein change: p.Thr270Ile; replaces threonine 270 with isoleucine.
Molecular consequence: missense variant.
Genome position (GRCh38, 1-based): chr22:20,991,645, C>T. VCF-style: chr22-20991645-C-T. GRCh37 (hg19) VCF-style: chr22-21345934-C-T.
Other names: short protein forms T270I.
Identifiers: ClinVar variation 3238345 (VCV003238345.1), dbSNP rs2518616943.
Genomic context (GRCh38, chr22:20,991,645, plus strand): 5'-GGAGCCCCTGTCCCAGCATTGATTCACTGTTGTGTACCCCCAGGTGGACACGCATCCCAA[C>T]TGAACACCTGCTCCGGGGCTCCCCACCACCCCCGCAGCGGCGCTACGGGCATACCATGGT-3'
Protein context (NP_006758.2, residues 260-280): FKDKTWTRIP[Thr270Ile]EHLLRGSPPP

ClinVar aggregate classification (germline): Uncertain significance (1 of 4 stars; one submission).

Conditions:
Hereditary cancer-predisposing syndrome. Also called: Neoplastic Syndromes, Hereditary; Tumor predisposition; Hereditary neoplastic syndrome; Hereditary Cancer Syndrome. Identifiers: Orphanet 140162, MedGen C0027672, MeSH D009386, MONDO:0015356.
Cardiovascular phenotype. Identifiers: MedGen CN230736.

Submission:

Ambry Genetics
Classification: Uncertain significance for Cardiovascular phenotype; Hereditary cancer-predisposing syndrome. Last evaluated: 2024-03-03. Review status: criteria provided, single submitter. Criteria: Ambry Variant Classification Scheme 2023. Collection method: clinical testing. Allele origin: germline.
Comment: The p.T270I variant (also known as c.809C>T), located in coding exon 9 of the LZTR1 gene, results from a C to T substitution at nucleotide position 809. The threonine at codon 270 is replaced by isoleucine, an amino acid with similar properties. This amino acid position is conserved. In addition, the in silico prediction for this alteration is inconclusive. Based on the available evidence, the clinical significance of this alteration remains unclear.